The following is an entry in ClinVar:

ClinVar aggregate classification (germline): Uncertain significance (1 of 4 stars; one submission).

Conditions:
IKZF2-related condition.

Submission:

PreventionGenetics, part of Exact Sciences
Classification: Uncertain significance for IKZF2-related condition. Last evaluated: 2026-05-12. Review status: criteria provided, single submitter. Criteria: ACMG Guidelines, 2015. Collection method: clinical testing. Allele origin: germline.
Comment: The IKZF2 c.826C>T variant is predicted to result in the amino acid substitution p.Arg276Cys. To our knowledge, this variant has not been reported in the literature or in a large population database (gnomAD), indicating this variant is rare. At this time, the clinical significance of this variant is uncertain due to the absence of conclusive functional and genetic evidence.

NM_001387220.1(IKZF2):c.826C>T (p.Arg276Cys)

Gene: IKZF2 (IKAROS family zinc finger 2; minus strand). Cytogenetic location: 2q34.
Variant type: single nucleotide variant.
Coding change: c.826C>T on transcript NM_001387220.1 (MANE Select); coding-DNA position 826, C replaced by T.
Protein change: p.Arg276Cys; replaces arginine 276 with cysteine.
Molecular consequence: missense variant. On other transcripts: intron variant (1).
Genome position (GRCh38, 1-based): chr2:213,013,821, G>A on the plus strand (C>T on the coding strand, the complement: IKZF2 is on the minus strand). VCF-style: chr2-213013821-G-A. GRCh37 (hg19) VCF-style: chr2-213878545-G-A.
Other names: c.748C>T, p.Arg250Cys (NM_001079526.2, NM_001371275.1, NM_001371276.1); c.826C>T, p.Arg276Cys (NM_001371274.1, NM_016260.3); c.632-5737C>T (NM_001371277.1); short protein forms R250C, R276C.
Identifiers: ClinVar variation 4983933 (VCV004983933.1).
Genomic context (GRCh38, chr2:213,013,821, plus strand): 5'-CAAAGAAACAAAAGCATTTGTAATGCTTACCCACAAACTTTTGTGGAGTGGAGCTTTTAC[G>A]TTTTCCCATATTCCCCGTGAGCTTCTCTATGACAGCAGGTCTCTCAAAAGGCACCAGAGA-3'
Protein context (NP_001374149.1, residues 266-286): IEKLTGNMGK[Arg276Cys]KSSTPQKFVG